The following is an entry in ClinVar:

NM_005359.6(SMAD4):c.*6513C>T

Gene: SMAD4 (SMAD family member 4; plus strand). Cytogenetic location: 18q21.2.
Variant type: single nucleotide variant.
Coding change: c.*6513C>T on transcript NM_005359.6 (MANE Select); 6513 bases downstream of the stop codon, C replaced by T.
Molecular consequence: 3 prime UTR variant.
Genome position (GRCh38, 1-based): chr18:51,084,980, C>T. VCF-style: chr18-51084980-C-T. GRCh37 (hg19) VCF-style: chr18-48611350-C-T.
Identifiers: ClinVar variation 327219 (VCV000327219.5), dbSNP rs76020793, ClinGen allele CA10641717.
Genomic context (GRCh38, chr18:51,084,980, plus strand): 5'-AGTTCCTTTGTGGCTTTCTGTATACTTTTGCCTGGTTAAAGTCTGTGGCTAAAAAATAGT[C>T]GAACCTTTCTTGAGAACTCTGTAACAAAGTATGTTTTTGATTAAAAGAGAAAGCCAACTA-3'

ClinVar aggregate classification (germline): Benign. Review status: criteria provided, single submitter (1 of 4 stars). 3 submissions from 1 submitter: Benign (3). Last evaluated 2018-01-12.

Conditions:
Myhre syndrome (MYHRS). Also called: LARYNGOTRACHEAL STENOSIS, ARTHROPATHY, PROGNATHISM, AND SHORT STATURE; LAPS SYNDROME. Identifiers: Orphanet 2588, MedGen C0796081, MONDO:0007688, OMIM 139210.
Generalized juvenile polyposis/juvenile polyposis coli. Also called: Juvenile polyposis coli. Identifiers: Orphanet 329971, MedGen C1868081, MONDO:0008276.
Juvenile polyposis/hereditary hemorrhagic telangiectasia syndrome (JPHT). Also called: JP/HHT SYNDROME; JUVENILE POLYPOSIS WITH HEREDITARY HEMORRHAGIC TELANGIECTASIA; POLYPOSIS, GENERALIZED JUVENILE, WITH PULMONARY ARTERIOVENOUS MALFORMATION; TELANGIECTASIA, HEREDITARY HEMORRHAGIC, WITH JUVENILE POLYPOSIS COLI; Juvenile Polyposis Syndrome / Hereditary Hemorrhagic Telangiectasia (JPS/HHT). Identifiers: Orphanet 2929, MedGen C1832942, MONDO:0008278, OMIM 175050.

Allele frequency attached by ClinVar (database versions not stated): gnomAD exomes 0.00160; 1000 Genomes Project 30x 0.00750; gnomAD 0.00777 and 0.00838; 1000 Genomes Project 0.00839; TOPMed 0.00914.
gnomAD v4.1: 1,266 of 210,200 alleles (0.6%); highest among the groups gnomAD compares: African/African-American, 2.7%; 16 homozygotes.

Submissions (3):

Illumina Laboratory Services, Illumina
Classification: Benign for Myhre syndrome. Last evaluated: 2018-01-12. Review status: criteria provided, single submitter. Criteria: ICSL Variant Classification Criteria 13 December 2019. Collection method: clinical testing. Allele origin: germline.
Comment: This variant was observed in the ICSL laboratory as part of a predisposition screen in an ostensibly healthy population. It had not been previously curated by ICSL or reported in the Human Gene Mutation Database (HGMD: prior to June 1st, 2018), and was therefore a candidate for classification through an automated scoring system. Utilizing variant allele frequency, disease prevalence and penetrance estimates, and inheritance mode, an automated score was calculated to assess if this variant is too frequent to cause the disease. Based on the score and internal cut-off values, a variant classified as benign is not then subjected to further curation. The score for this variant resulted in a classification of benign for this disease.

Illumina Laboratory Services, Illumina
Classification: Benign for Juvenile polyposis syndrome. Last evaluated: 2018-01-12. Review status: criteria provided, single submitter. Criteria: ICSL Variant Classification Criteria 13 December 2019. Collection method: clinical testing. Allele origin: germline.
Comment: the same text as in the submission from Illumina Laboratory Services, Illumina above.

Illumina Laboratory Services, Illumina
Classification: Benign for Juvenile polyposis/hereditary hemorrhagic telangiectasia syndrome. Last evaluated: 2018-01-12. Review status: criteria provided, single submitter. Criteria: ICSL Variant Classification Criteria 13 December 2019. Collection method: clinical testing. Allele origin: germline.
Comment: the same text as in the submission from Illumina Laboratory Services, Illumina above.